The following is an entry in ClinVar:

ClinVar aggregate classification (germline): Uncertain significance. Review status: criteria provided, multiple submitters, no conflicts (2 of 4 stars). 2 submissions from 2 submitters: Uncertain significance (2). Last evaluated 2021-08-31.

Conditions:
Ellis-van Creveld syndrome (EVC). Also called: Chondroectodermal dysplasia; MESOECTODERMAL DYSPLASIA. Identifiers: Orphanet 289, MedGen C0013903, MONDO:0009162, OMIM 225500.
Curry-Hall syndrome (WAD). Also called: WEYERS ACRODENTAL DYSOSTOSIS. Identifiers: Orphanet 952, MedGen C0457013, MONDO:0008673, OMIM 193530.

Allele frequency attached by ClinVar (database versions not stated): gnomAD 0.00001; TOPMed 0.00001; gnomAD exomes 0.00002 and 0.00003; ExAC 0.00006.
gnomAD v4.1: 29 of 1,614,080 alleles (0.0018%); highest among the groups gnomAD compares: East Asian, 0.0045%; no homozygotes.

Submissions (2):

Labcorp Genetics (formerly Invitae), Labcorp
Classification: Uncertain significance for Curry-Hall syndrome; Ellis-van Creveld syndrome. Last evaluated: 2021-08-31. Review status: criteria provided, single submitter. Criteria: Invitae Variant Classification Sherloc (09022015). Collection method: clinical testing. Allele origin: germline.
Comment: This sequence change falls in intron 15 of the EVC2 gene. It does not directly change the encoded amino acid sequence of the EVC2 protein. It affects a nucleotide within the consensus splice site of the intron. This variant is present in population databases (rs755042717, ExAC 0.01%). This variant has not been reported in the literature in individuals affected with EVC2-related conditions. Variants that disrupt the consensus splice site are a relatively common cause of aberrant splicing (PMID: 17576681, 9536098). Algorithms developed to predict the effect of sequence changes on RNA splicing suggest that this variant is not likely to affect RNA splicing. In summary, the available evidence is currently insufficient to determine the role of this variant in disease. Therefore, it has been classified as a Variant of Uncertain Significance.

Blueprint Genetics
Classification: Uncertain significance. Last evaluated: 2018-05-18. Review status: criteria provided, single submitter. Criteria: ACMG Guidelines, 2015. Collection method: clinical testing. Allele origin: germline.

Literature cited by the submitters: PubMed 17576681 (cited by Labcorp Genetics (formerly Invitae), Labcorp); PubMed 9536098 (cited by Labcorp Genetics (formerly Invitae), Labcorp).

NM_147127.5(EVC2):c.2707-3C>T

Gene: EVC2 (EvC ciliary complex subunit 2; minus strand). Cytogenetic location: 4p16.2.
Variant type: single nucleotide variant.
Coding change: c.2707-3C>T on transcript NM_147127.5 (MANE Select); 3 bases into the intron before coding-DNA position 2707, C replaced by T.
Molecular consequence: intron variant.
Genome position (GRCh38, 1-based): chr4:5,615,547, G>A on the plus strand (C>T on the coding strand, the complement: EVC2 is on the minus strand). VCF-style: chr4-5615547-G-A. GRCh37 (hg19) VCF-style: chr4-5617274-G-A.
Other names: c.2467-3C>T (NM_001166136.2).
Identifiers: ClinVar variation 1522007 (VCV001522007.7), dbSNP rs755042717, ClinGen allele CA2834600.
Genomic context (GRCh38, chr4:5,615,547, plus strand): 5'-TCAGAAGCTCTCCCTTGCTTTTACTCTTGGACCGTGACTTTCTCACCTTGGACTGTTGCT[G>A]GAGAGGGGTTGGGGAAGACGTGGGTAAGAAGGCAATCACCAGCAAGTCCATGCAGCTCCC-3'